The following is an entry in ClinVar:

ClinVar aggregate classification (germline): Likely benign. Review status: criteria provided, multiple submitters, no conflicts (2 of 4 stars). 3 submissions from 3 submitters: Likely benign (3). Last evaluated 2025-07-01.

Allele frequency attached by ClinVar (database versions not stated): gnomAD exomes 0.00002; ExAC 0.00003; gnomAD 0.00003; TOPMed 0.00004; ESP Exome Variant Server 0.00008.

Submissions (3):

CeGaT Center for Human Genetics Tuebingen
Classification: Likely benign. Last evaluated: 2025-07-01. Review status: criteria provided, single submitter. Criteria: CeGaT Center For Human Genetics Tuebingen Variant Classification Criteria Version 2. Collection method: clinical testing. Allele origin: germline. Affected: yes. Observed: 1 variant allele.
Comment: CASZ1: BP4, BP7

Blueprint Genetics
Classification: Likely benign. Last evaluated: 2024-11-07. Review status: criteria provided, single submitter. Criteria: ACMG Guidelines, 2015. Collection method: clinical testing. Allele origin: germline.

Labcorp Genetics (formerly Invitae), Labcorp
Classification: Likely benign. Last evaluated: 2024-08-31. Review status: criteria provided, single submitter. Criteria: Invitae Variant Classification Sherloc (09022015). Collection method: clinical testing. Allele origin: germline.

NM_001079843.3(CASZ1):c.3741C>T (p.Thr1247=)

Gene: CASZ1 (castor zinc finger 1; minus strand). Cytogenetic location: 1p36.22.
Variant type: single nucleotide variant.
Coding change: c.3741C>T on transcript NM_001079843.3 (MANE Select); coding-DNA position 3741, C replaced by T.
Protein change: p.Thr1247=; no amino-acid change (threonine 1247 retained).
Molecular consequence: synonymous variant.
Genome position (GRCh38, 1-based): chr1:10,645,044, G>A on the plus strand (C>T on the coding strand, the complement: CASZ1 is on the minus strand). VCF-style: chr1-10645044-G-A. GRCh37 (hg19) VCF-style: chr1-10705101-G-A.
Identifiers: ClinVar variation 729849 (VCV000729849.15), dbSNP rs369472199, ClinGen allele CA584406.